The following is an entry in ClinVar:

NM_000487.6(ARSA):c.820del (p.Glu274fs)

Gene: ARSA (arylsulfatase A; minus strand). Cytogenetic location: 22q13.33.
Variant type: Deletion.
Coding change: c.820del on transcript NM_000487.6 (MANE Select); coding-DNA position 820, one base deleted (G; older notation c.820delG).
Protein change: p.Glu274fs; shifts the reading frame from glutamic acid 274.
Molecular consequence: frameshift variant.
Genome position (GRCh38, 1-based): chr22:50,626,625, C deleted on the plus strand (G on the coding strand, the reverse complement: ARSA is on the minus strand). VCF-style (leftmost placement, unchanged base first): chr22-50626624-TC-T. GRCh37 (hg19) VCF-style: chr22-51065052-TC-T.
Other names: c.820del, p.Glu274fs (NM_001085425.3, NM_001085426.3, NM_001085427.3); c.562del, p.Glu188fs (NM_001085428.3, NM_001362782.2); short protein forms E188fs, E274fs.
Identifiers: ClinVar variation 5015882 (VCV005015882.1).

ClinVar aggregate classification (germline): Pathogenic (1 of 4 stars; one submission).

Conditions:
Metachromatic leukodystrophy (MLD). Also called: ARSA DEFICIENCY; CEREBROSIDE SULFATASE DEFICIENCY; METACHROMATIC LEUKOENCEPHALOPATHY; SULFATIDE LIPIDOSIS; Cerebral sclerosis diffuse metachromatic form; Arylsulfatase A Deficiency. Identifiers: Orphanet 512, MedGen C0023522, MONDO:0018868, OMIM 250100.

Submission:

Myriad Genetics, Inc.
Classification: Pathogenic for Metachromatic leukodystrophy. Last evaluated: 2026-05-06. Review status: criteria provided, single submitter. Criteria: Myriad Autosomal Dominant, Autosomal Recessive and X-Linked Classification Criteria (2023). Collection method: clinical testing. Allele origin: unknown.
Comment: NM_000487.5(ARSA):c.820delG(E274Kfs*55) is expected to be pathogenic in the context of metachromatic leukodystrophy. This variant is predicted to lead to an abnormal or absent protein product due to the creation of a premature termination codon in ARSA, a gene where loss-of-function variants are known to be pathogenic. Please note: this variant was assessed in the context of healthy population screening.